The following is an entry in ClinVar:

ClinVar aggregate classification (germline): Uncertain significance. Review status: criteria provided, multiple submitters, no conflicts (2 of 4 stars). 2 submissions from 2 submitters: Uncertain significance (2). Last evaluated 2023-05-02.

Conditions:
RASopathy. Also called: rasopathies; Noonan spectrum disorder. Identifiers: Orphanet 536391, MedGen C5555857, MONDO:0021060.

Allele frequency attached by ClinVar (database versions not stated): TOPMed below 0.00001.

Submissions (2):

GeneDx
Classification: Uncertain significance. Last evaluated: 2023-05-02. Review status: criteria provided, single submitter. Criteria: GeneDx Variant Classification Process June 2021. Collection method: clinical testing. Allele origin: germline. Affected: yes.
Comment: Not observed at significant frequency in large population cohorts (gnomAD); In silico analysis supports that this missense variant does not alter protein structure/function; Has not been previously published as pathogenic or benign to our knowledge

Labcorp Genetics (formerly Invitae), Labcorp
Classification: Uncertain significance for RASopathy. Last evaluated: 2022-12-20. Review status: criteria provided, single submitter. Criteria: Invitae Variant Classification Sherloc (09022015). Collection method: clinical testing. Allele origin: germline.
Comment: ClinVar contains an entry for this variant (Variation ID: 1463879). In summary, the available evidence is currently insufficient to determine the role of this variant in disease. Therefore, it has been classified as a Variant of Uncertain Significance. Advanced modeling of protein sequence and biophysical properties (such as structural, functional, and spatial information, amino acid conservation, physicochemical variation, residue mobility, and thermodynamic stability) has been performed at Invitae for this missense variant, however the output from this modeling did not meet the statistical confidence thresholds required to predict the impact of this variant on CBL protein function. This variant has not been reported in the literature in individuals affected with CBL-related conditions. This variant is not present in population databases (gnomAD no frequency). This sequence change replaces glycine, which is neutral and non-polar, with valine, which is neutral and non-polar, at codon 3 of the CBL protein (p.Gly3Val).

NM_005188.4(CBL):c.8G>T (p.Gly3Val)

Genes: CBL (Cbl proto-oncogene; plus strand), LOC130006895 (ATAC-STARR-seq lymphoblastoid silent region 3975; plus strand). Cytogenetic location: 11q23.3.
Variant type: single nucleotide variant.
Coding change: c.8G>T on transcript NM_005188.4 (MANE Select); coding-DNA position 8, G replaced by T.
Protein change: p.Gly3Val; replaces glycine 3 with valine.
Molecular consequence: missense variant.
Genome position (GRCh38, 1-based): chr11:119,206,425, G>T. VCF-style: chr11-119206425-G-T. GRCh37 (hg19) VCF-style: chr11-119077135-G-T.
Other names: c.8G>T (NM_005188.2); short protein forms G3V.
Identifiers: ClinVar variation 1463879 (VCV001463879.9), dbSNP rs1362763825, ClinGen allele CA382975567.